The following is an entry in ClinVar:

ClinVar aggregate classification (germline): Uncertain significance (1 of 4 stars; one submission).

Conditions:
Neuronal ceroid lipofuscinosis. Also called: Neuronal Ceroid Lipofuscinoses. Identifiers: Orphanet 216, Orphanet 79263, MedGen C0027877, MONDO:0016295. Disease mechanism: loss of function.

Allele frequency attached by ClinVar (database versions not stated): TOPMed below 0.00001.

Submission:

Labcorp Genetics (formerly Invitae), Labcorp
Classification: Uncertain significance for Neuronal ceroid lipofuscinosis. Last evaluated: 2022-01-14. Review status: criteria provided, single submitter. Criteria: Invitae Variant Classification Sherloc (09022015). Collection method: clinical testing. Allele origin: germline.
Comment: This sequence change replaces alanine, which is neutral and non-polar, with serine, which is neutral and polar, at codon 361 of the CTSD protein (p.Ala361Ser). In summary, the available evidence is currently insufficient to determine the role of this variant in disease. Therefore, it has been classified as a Variant of Uncertain Significance. Algorithms developed to predict the effect of missense changes on protein structure and function (SIFT, PolyPhen-2, Align-GVGD) all suggest that this variant is likely to be tolerated. This variant has not been reported in the literature in individuals affected with CTSD-related conditions. This variant is not present in population databases (gnomAD no frequency).

NM_001909.5(CTSD):c.1081G>T (p.Ala361Ser)

Gene: CTSD (cathepsin D; minus strand). Cytogenetic location: 11p15.5.
Variant type: single nucleotide variant.
Coding change: c.1081G>T on transcript NM_001909.5 (MANE Select); coding-DNA position 1081, G replaced by T.
Protein change: p.Ala361Ser; replaces alanine 361 with serine.
Molecular consequence: missense variant.
Genome position (GRCh38, 1-based): chr11:1,753,661, C>A on the plus strand (G>T on the coding strand, the complement: CTSD is on the minus strand). VCF-style: chr11-1753661-C-A. GRCh37 (hg19) VCF-style: chr11-1774891-C-A.
Other names: short protein forms A361S.
Identifiers: ClinVar variation 1363140 (VCV001363140.8), dbSNP rs1845756287, ClinGen allele CA379092776.
Genomic context (GRCh38, chr11:1,753,661, plus strand): 5'-GCCCGCTGGGTGGCGGGATGTCCATGCCCATGAAGCCGCTCAGGCAGAGGGTCTTCCCGG[C>A]CTGCGACACCTGGGACGGCCCTGGTGGTCAGTACCCAGGCCTAGCACCACCCGCCCCCCC-3'
Protein context (NP_001900.1, residues 351-371): PEDYTLKVSQ[Ala361Ser]GKTLCLSGFM